The following is an entry in ClinVar:

NM_001243279.3(ACSF3):c.1412G>A (p.Arg471Gln)

Gene: ACSF3 (acyl-CoA synthetase family member 3; plus strand). Cytogenetic location: 16q24.3.
Variant type: single nucleotide variant.
Coding change: c.1412G>A on transcript NM_001243279.3 (MANE Select); coding-DNA position 1412, G replaced by A.
Protein change: p.Arg471Gln; replaces arginine 471 with glutamine.
Molecular consequence: missense variant. On other transcripts: non-coding transcript variant (4).
Genome position (GRCh38, 1-based): chr16:89,145,312, G>A. VCF-style: chr16-89145312-G-A. GRCh37 (hg19) VCF-style: chr16-89211720-G-A.
Other names: c.1412G>A, p.Arg471Gln (NM_001127214.4, NM_174917.5); c.617G>A, p.Arg206Gln (NM_001284316.2); c.1412G>A (NM_174917.4, NM_174917.3); short protein forms R471Q, R206Q.
Identifiers: ClinVar variation 31138 (VCV000031138.48), dbSNP rs387907119, ClinGen allele CA129711.

ClinVar aggregate classification (germline): Conflicting classifications of pathogenicity. Review status: criteria provided, conflicting classifications (1 of 4 stars). 10 submissions from 10 submitters: Likely pathogenic (6); Uncertain significance (2). 2 of the submissions do not count toward it. Last evaluated 2025-11-18.

Conditions:
Combined malonic and methylmalonic acidemia. Identifiers: Orphanet 289504, MedGen C3280314, MONDO:0013661, OMIM 614265.

Allele frequency attached by ClinVar (database versions not stated): gnomAD 0.00001; TOPMed 0.00002; gnomAD exomes 0.00003 and 0.00005; ExAC 0.00006.
gnomAD v4.1: 42 of 1,614,172 alleles (0.0026%); highest among the groups gnomAD compares: South Asian, 0.026%; no homozygotes.

Submissions (10):

Natera, Inc.
Classification: Likely pathogenic for Combined malonic and methylmalonic aciduria. Last evaluated: 2025-11-18. Review status: criteria provided, single submitter. Criteria: Natera Variant Classification Schema (03/2026). Collection method: clinical testing. Allele origin: germline.
Comment: The c.1412G>A variant in ACSF3 is a missense variant predicted to cause substitution of arginine to glutamine at amino acid 471. This variant is rare in the general population with a frequency below the threshold expected for the associated phenotype(s). This variant has been observed in one or more individuals affected with the associated recessive disease, as either homozygous or compound heterozygous with a second variant (PMID: 21841779, 36717752). This variant has been identified in one or more affected individual with a phenotype highly consistent with the associated gene (PMID: 21841779). Computational prediction algorithms indicate this variant is likely to affect gene or protein function. Given the available evidence, this variant is classified as Likely Pathogenic.

GeneDx
Classification: Likely pathogenic. Last evaluated: 2025-05-27. Review status: criteria provided, single submitter. Criteria: GeneDx Variant Classification Process June 2021. Collection method: clinical testing. Allele origin: germline. Affected: yes.
Comment: In silico analysis supports that this missense variant has a deleterious effect on protein structure/function; This variant is associated with the following publications: (PMID: 31589614, 21785126, 34900860, 36717752, 38523675, 21841779)

Women's Health and Genetics/Laboratory Corporation of America, LabCorp
Classification: Uncertain significance. Last evaluated: 2024-09-09. Review status: criteria provided, single submitter. Criteria: LabCorp Variant Classification Summary - May 2015. Collection method: clinical testing. Allele origin: germline.
Comment: Variant summary: ACSF3 c.1412G>A (p.Arg471Gln) results in a conservative amino acid change located in the AMP-dependent synthetase/ligase domain (IPR000873) of the encoded protein sequence. Four of five in-silico tools predict a damaging effect of the variant on protein function. The variant allele was found at a frequency of 4.8e-05 in 251226 control chromosomes, predominantly at a frequency of 0.00036 within the South Asian subpopulation in the gnomAD database. This frequency is not significantly higher than estimated for a pathogenic variant in ACSF3 causing Combined Malonic And Methylmalonic Aciduria (4.8e-05 vs 0.0058), allowing no conclusion about variant significance. c.1412G>A has been reported in the literature in at-least two individuals affected with Combined Malonic And Methylmalonic Aciduria (Sloan_2011, Forny_MUT_2023). These data do not allow any conclusion about variant significance. In addition, another missense variant in the same residue (p.Arg471Trp) has been classified as likely pathogenic in our lab, supporting the functional importance of this residue of the protein. To our knowledge, no experimental evidence demonstrating an impact on protein function has been reported. The following publications have been ascertained in the context of this evaluation (PMID: 31589614, 36717752, 21841779). ClinVar contains an entry for this variant (Variation ID: 31138). Based on the evidence outlined above, the variant was classified as VUS-possibly pathogenic.

Fulgent Genetics
Classification: Likely pathogenic for Combined malonic and methylmalonic acidemia. Last evaluated: 2024-06-22. Review status: criteria provided, single submitter. Criteria: ACMG Guidelines, 2015. Collection method: clinical testing. Allele origin: germline.

Baylor Genetics
Classification: Likely pathogenic for Combined malonic and methylmalonic acidemia. Last evaluated: 2024-03-27. Review status: criteria provided, single submitter. Criteria: ACMG Guidelines, 2015. Collection method: clinical testing. Allele origin: unknown.

Labcorp Genetics (formerly Invitae), Labcorp
Classification: Uncertain significance for Combined malonic and methylmalonic acidemia. Last evaluated: 2022-08-05. Review status: criteria provided, single submitter. Criteria: Invitae Variant Classification Sherloc (09022015). Collection method: clinical testing. Allele origin: germline.
Comment: This sequence change replaces arginine, which is basic and polar, with glutamine, which is neutral and polar, at codon 471 of the ACSF3 protein (p.Arg471Gln). This variant is present in population databases (rs387907119, gnomAD 0.03%). This missense change has been observed in individual(s) with combined malonic and methylmalonic aciduria (PMID: 21841779). ClinVar contains an entry for this variant (Variation ID: 31138). Advanced modeling of protein sequence and biophysical properties (such as structural, functional, and spatial information, amino acid conservation, physicochemical variation, residue mobility, and thermodynamic stability) performed at Invitae indicates that this missense variant is expected to disrupt ACSF3 protein function. This variant disrupts the p.Arg471 amino acid residue in ACSF3. Other variant(s) that disrupt this residue have been observed in individuals with ACSF3-related conditions (PMID: 21785126, 21841779), which suggests that this may be a clinically significant amino acid residue. In summary, the available evidence is currently insufficient to determine the role of this variant in disease. Therefore, it has been classified as a Variant of Uncertain Significance.

CeGaT Center for Human Genetics Tuebingen
Classification: Likely pathogenic. Last evaluated: 2021-03-01. Review status: criteria provided, single submitter. Criteria: CeGaT Center For Human Genetics Tuebingen Variant Classification Criteria Version 2. Collection method: clinical testing. Allele origin: germline. Affected: yes. Observed: 1 variant allele.

Kariminejad - Najmabadi Pathology & Genetics Center
Classification: Likely pathogenic for Combined malonic and methylmalonic acidemia. Review status: criteria provided, single submitter. Criteria: ACMG Guidelines, 2015. Collection method: clinical testing. Allele origin: germline. Affected: no.

OMIM
Classification: Pathogenic for COMBINED MALONIC AND METHYLMALONIC ACIDURIA. Last evaluated: 2011-08-14. Review status: no assertion criteria provided. Collection method: literature only. Allele origin: germline. Not counted in ClinVar's aggregate classification.

Kasturba Medical College, Manipal, Kasturba Medical College, Manipal, Manipal Academy of Higher Education, Manipal, India
Classification: Likely pathogenic for Combined malonic and methylmalonic acidemia. Review status: no assertion criteria provided. Collection method: clinical testing. Allele origin: maternal. Affected: yes. Not counted in ClinVar's aggregate classification.

Literature cited by the submitters: PubMed 21841779 (cited by 4 submitters); PubMed 36717752 (cited by Natera, Inc. and Women's Health and Genetics/Laboratory Corporation of America, LabCorp); PubMed 31589614 (cited by Women's Health and Genetics/Laboratory Corporation of America, LabCorp); PubMed 21785126 (cited by Labcorp Genetics (formerly Invitae), Labcorp); DOI 10.1038/ng.908 (cited by Kasturba Medical College, Manipal, Kasturba Medical College, Manipal, Manipal Academy of Higher Education, Manipal, India).